The following is an entry in ClinVar:

ClinVar aggregate classification (germline): Likely benign. Review status: criteria provided, multiple submitters, no conflicts (2 of 4 stars). 3 submissions from 3 submitters: Likely benign (2). 1 of the submissions does not count toward it. Last evaluated 2019-12-31.

Conditions:
BMS1-related disorder. Also called: BMS1-related condition.

Allele frequency attached by ClinVar (database versions not stated): gnomAD exomes 0.00014 and 0.00032; ExAC 0.00045; ESP Exome Variant Server 0.00077; 1000 Genomes Project 0.00080; 1000 Genomes Project 30x 0.00094; gnomAD 0.00102 and 0.00112; TOPMed 0.00178.
gnomAD v4.1: 369 of 1,565,888 alleles (0.024%); highest among the groups gnomAD compares: African/African-American, 0.21%; 1 homozygote.

Submissions (3):

Labcorp Genetics (formerly Invitae), Labcorp
Classification: Likely benign. Last evaluated: 2019-12-31. Review status: criteria provided, single submitter. Criteria: Invitae Variant Classification Sherloc (09022015). Collection method: clinical testing. Allele origin: germline.

Breakthrough Genomics
Classification: Likely benign. Review status: criteria provided, single submitter. Criteria: ACMG Guidelines, 2015. Collection method: not provided. Allele origin: germline. Inheritance: Autosomal dominant inheritance. Affected: yes.

PreventionGenetics, part of Exact Sciences
Classification: Likely benign for BMS1-related condition. Last evaluated: 2019-10-31. Review status: no assertion criteria provided. Collection method: clinical testing. Allele origin: germline. Not counted in ClinVar's aggregate classification.
Comment: This variant is classified as likely benign based on ACMG/AMP sequence variant interpretation guidelines (Richards et al. 2015 PMID: 25741868, with internal and published modifications).

NM_014753.4(BMS1):c.3834G>A (p.Glu1278=)

Gene: BMS1 (BMS1 ribosome biogenesis factor; plus strand). Cytogenetic location: 10q11.21.
Variant type: single nucleotide variant.
Coding change: c.3834G>A on transcript NM_014753.4 (MANE Select); coding-DNA position 3834, G replaced by A.
Protein change: p.Glu1278=; no amino-acid change (glutamic acid 1278 retained).
Molecular consequence: synonymous variant.
Genome position (GRCh38, 1-based): chr10:42,831,081, G>A. VCF-style: chr10-42831081-G-A. GRCh37 (hg19) VCF-style: chr10-43326529-G-A.
Identifiers: ClinVar variation 709866 (VCV000709866.7), dbSNP rs145950224, ClinGen allele CA5476462.